The following is an entry in ClinVar:

ClinVar aggregate classification (germline): Conflicting classifications of pathogenicity. Review status: criteria provided, conflicting classifications (1 of 4 stars). 3 submissions from 3 submitters: Uncertain significance (1); Likely benign (2). Last evaluated 2026-03-23.

Conditions:
PDE6A-related disorder. Also called: PDE6A-related condition.

Allele frequency attached by ClinVar (database versions not stated): TOPMed below 0.00001; gnomAD exomes 0.00001 and 0.00004; ExAC 0.00009.
gnomAD v4.1: 21 of 1,614,128 alleles (0.0013%); highest among the groups gnomAD compares: Non-Finnish European, 0.0017%; no homozygotes.

Submissions (3):

PreventionGenetics, part of Exact Sciences
Classification: Likely benign for PDE6A-related condition. Last evaluated: 2026-03-23. Review status: criteria provided, single submitter. Criteria: ACMG Guidelines, 2015. Collection method: clinical testing. Allele origin: germline.
Comment: This variant is classified as likely benign based on ACMG/AMP sequence variant interpretation guidelines (Richards et al. 2015 PMID: 25741868, with internal and published modifications).

Labcorp Genetics (formerly Invitae), Labcorp
Classification: Likely benign. Last evaluated: 2025-06-15. Review status: criteria provided, single submitter. Criteria: Invitae Variant Classification Sherloc (09022015). Collection method: clinical testing. Allele origin: germline.

Blueprint Genetics
Classification: Uncertain significance. Last evaluated: 2021-09-17. Review status: criteria provided, single submitter. Criteria: ACMG Guidelines, 2015. Collection method: clinical testing. Allele origin: germline.

NM_000440.3(PDE6A):c.1474-10C>A

Gene: PDE6A (phosphodiesterase 6A; minus strand). Cytogenetic location: 5q32.
Variant type: single nucleotide variant.
Coding change: c.1474-10C>A on transcript NM_000440.3 (MANE Select); 10 bases into the intron before coding-DNA position 1474, C replaced by A.
Molecular consequence: intron variant.
Genome position (GRCh38, 1-based): chr5:149,896,512, G>T on the plus strand (C>A on the coding strand, the complement: PDE6A is on the minus strand). VCF-style: chr5-149896512-G-T. GRCh37 (hg19) VCF-style: chr5-149276075-G-T.
Identifiers: ClinVar variation 729843 (VCV000729843.6), dbSNP rs767861672, ClinGen allele CA3504657.